The following is an entry in ClinVar:

ClinVar aggregate classification (germline): Uncertain significance (1 of 4 stars; one submission).

Conditions:
Inborn genetic diseases. Identifiers: MedGen C0950123, MeSH D030342.

Submission:

Ambry Genetics
Classification: Uncertain significance for Inborn genetic diseases. Last evaluated: 2025-04-05. Review status: criteria provided, single submitter. Criteria: Ambry Variant Classification Scheme 2023. Collection method: clinical testing. Allele origin: germline.
Comment: The p.A83T variant (also known as c.247G>A), located in coding exon 3 of the RUNX1 gene, results from a G to A substitution at nucleotide position 247. The alanine at codon 83 is replaced by threonine, an amino acid with similar properties. This amino acid position is conserved. In addition, the in silico prediction for this alteration is inconclusive. Based on the available evidence, the clinical significance of this variant remains unclear.

NM_001754.5(RUNX1):c.247G>A (p.Ala83Thr)

Gene: RUNX1 (RUNX family transcription factor 1; minus strand). Cytogenetic location: 21q22.12.
Variant type: single nucleotide variant.
Coding change: c.247G>A on transcript NM_001754.5 (MANE Select); coding-DNA position 247, G replaced by A.
Protein change: p.Ala83Thr; replaces alanine 83 with threonine.
Molecular consequence: missense variant.
Genome position (GRCh38, 1-based): chr21:34,886,947, C>T on the plus strand (G>A on the coding strand, the complement: RUNX1 is on the minus strand). VCF-style: chr21-34886947-C-T. GRCh37 (hg19) VCF-style: chr21-36259244-C-T.
Other names: c.166G>A, p.Ala56Thr (NM_001001890.3, NM_001122607.2); short protein forms A83T, A56T.
Identifiers: ClinVar variation 3948857 (VCV003948857.1).
Genomic context (GRCh38, chr21:34,886,947, plus strand): 5'-GCAGCACGGAGCAGAGGAAGTTGGGGCTGTCGGTGCGCACCAGCTCGCCCGGGTGGTCGG[C>T]CAGCACCTCCACCATGCTGCGGTCGCCGCTCCTCAGCTTGCCGGCCAGGGCAGCGCCGGC-3'
Protein context (NP_001745.2, residues 73-93): SGDRSMVEVL[Ala83Thr]DHPGELVRTD